The following is an entry in ClinVar:

ClinVar aggregate classification (germline): Likely pathogenic (1 of 4 stars; one submission).

Submission:

GeneDx
Classification: Likely pathogenic. Last evaluated: 2017-12-13. Review status: criteria provided, single submitter. Criteria: GeneDx Variant Classification (06012015). Collection method: clinical testing. Allele origin: germline. Affected: yes.
Comment: The Q256H variant in the SHANK3 gene has not been published as a pathogenic variant, nor has it been reported as a benign polymorphism to our knowledge. The Q256H variant was not observed in approximately 6100 individuals of European and African American ancestry in the NHLBI Exome Sequencing Project, indicating it is not a common benign variant in these populations. The Q256H variant is a semi-conservative amino acid substitution, which occurs in the ANK4 domain at a position that is conserved across species. In silico analysis predicts this variant is probably damaging to the protein structure/function. The Q256H variant is a strong candidate for a disease-causing variant, however the possibility it may be a rare benign variant cannot be excluded.

NM_001372044.2(SHANK3):c.993G>T (p.Gln331His)

Gene: SHANK3 (SH3 and multiple ankyrin repeat domains 3; plus strand). Cytogenetic location: 22q13.33.
Variant type: single nucleotide variant.
Coding change: c.993G>T on transcript NM_001372044.2 (MANE Select); coding-DNA position 993, G replaced by T.
Protein change: p.Gln331His; replaces glutamine 331 with histidine.
Molecular consequence: missense variant.
Genome position (GRCh38, 1-based): chr22:50,679,186, G>T. VCF-style: chr22-50679186-G-T. GRCh37 (hg19) VCF-style: chr22-51117614-G-T.
Other names: c.768G>T, p.Gln256His (NM_033517.1); short protein forms Q256H, Q331H.
Identifiers: ClinVar variation 429574 (VCV000429574.2), dbSNP rs1131691464, ClinGen allele CA515254184.
Genomic context (GRCh38, chr22:50,679,186, plus strand): 5'-TCTCCACGACCACGCTCAGCTGGGGATCACCGACGAGAATGGCTGGCAGGAGATCCACCA[G>T]GTGTGCAGGGAGCCGAGGTGGGGTCCCGGCCTCTGTGTGCTGGGTTGGGGGTCCTGGCTC-3'
Protein context (NP_001358973.1, residues 321-341): TDENGWQEIH[Gln331His]ACRFGHVQHL